The following is an entry in ClinVar:

ClinVar aggregate classification (germline): Uncertain significance (1 of 4 stars; one submission).

Conditions:
Hereditary cancer-predisposing syndrome. Also called: Neoplastic Syndromes, Hereditary; Tumor predisposition; Hereditary Cancer Syndrome; Hereditary neoplastic syndrome. Identifiers: Orphanet 140162, MedGen C0027672, MeSH D009386, MONDO:0015356.

gnomAD v4.1: 2 of 1,613,756 alleles (0.00012%); highest among the groups gnomAD compares: Non-Finnish European, 0.00017%; no homozygotes.

Submission:

Ambry Genetics
Classification: Uncertain significance for Hereditary cancer-predisposing syndrome. Last evaluated: 2024-04-04. Review status: criteria provided, single submitter. Criteria: Ambry Variant Classification Scheme 2023. Collection method: clinical testing. Allele origin: germline.
Comment: The p.R138G variant (also known as c.412C>G), located in coding exon 4 of the RAD50 gene, results from a C to G substitution at nucleotide position 412. The arginine at codon 138 is replaced by glycine, an amino acid with dissimilar properties. This amino acid position is conserved. In addition, the in silico prediction for this alteration is inconclusive. Since supporting evidence is limited at this time, the clinical significance of this alteration remains unclear.

NM_005732.4(RAD50):c.412C>G (p.Arg138Gly)

Gene: RAD50 (RAD50 double strand break repair protein; plus strand). Cytogenetic location: 5q31.1.
Variant type: single nucleotide variant.
Coding change: c.412C>G on transcript NM_005732.4 (MANE Select); coding-DNA position 412, C replaced by G.
Protein change: p.Arg138Gly; replaces arginine 138 with glycine.
Molecular consequence: missense variant.
Genome position (GRCh38, 1-based): chr5:132,579,363, C>G. VCF-style: chr5-132579363-C-G. GRCh37 (hg19) VCF-style: chr5-131915055-C-G.
Other names: short protein forms R138G.
Identifiers: ClinVar variation 1738071 (VCV001738071.3), dbSNP rs786203485, ClinGen allele CA360933734.
Genomic context (GRCh38, chr5:132,579,363, plus strand): 5'-TTCATTTTCTGTAGGCATGGTGAAAAGGTCAGTCTGAGCTCTAAGTGTGCAGAAATTGAC[C>G]GAGAAATGATCAGTTCTCTTGGGGTTTCCAAGGCTGTGCTAAATAATGTCATTTTCTGTC-3'
Protein context (NP_005723.2, residues 128-148): SLSSKCAEID[Arg138Gly]EMISSLGVSK